The following is an entry in ClinVar:

NM_001386795.1(DTNA):c.2162+21A>G

Gene: DTNA (dystrobrevin alpha; plus strand). Cytogenetic location: 18q12.1.
Variant type: single nucleotide variant.
Coding change: c.2162+21A>G on transcript NM_001386795.1 (MANE Select); 21 bases into the intron after coding-DNA position 2162, A replaced by G.
Molecular consequence: intron variant.
Genome position (GRCh38, 1-based): chr18:34,879,740, A>G. VCF-style: chr18-34879740-A-G. GRCh37 (hg19) VCF-style: chr18-32459704-A-G.
Other names: c.1910+21A>G (NM_032975.4, NM_001386761.1); c.1907+21A>G (NM_001386762.1); c.1991+21A>G (NM_001386754.1, NM_001386755.1, NM_001386757.1 and 3 more transcripts); c.1988+21A>G (NM_001386760.1); c.1901+21A>G (NM_001386763.1, NM_001386764.1, NM_001198940.2 and 5 more transcripts); c.1898+21A>G (NM_001386768.1, NM_001386769.1); c.1922+21A>G (NM_001198939.2); c.2162+21A>G (NM_001386788.1); and 5 more.
Identifiers: ClinVar variation 671111 (VCV000671111.2), dbSNP rs2288085, ClinGen allele CA8935947.

ClinVar aggregate classification (germline): Benign. Review status: criteria provided, multiple submitters, no conflicts (2 of 4 stars). 2 submissions from 2 submitters: Benign (2). Last evaluated 2018-06-15.

Allele frequency attached by ClinVar (database versions not stated): gnomAD 0.29006 and 0.28225; TOPMed 0.29515; ESP Exome Variant Server 0.30332; gnomAD exomes 0.21718 and 0.22316; ExAC 0.22551; 1000 Genomes Project 0.26218; 1000 Genomes Project 30x 0.27030.
gnomAD v4.1: 369,192 of 1,612,842 alleles (23%); highest among the groups gnomAD compares: African/African-American, 47%; 45,337 homozygotes.

Submissions (2):

GeneDx
Classification: Benign. Last evaluated: 2018-06-15. Review status: criteria provided, single submitter. Criteria: GeneDx Variant Classification (06012015). Collection method: clinical testing. Allele origin: germline. Affected: yes.
Comment: This variant is considered likely benign or benign based on one or more of the following criteria: it is a conservative change, it occurs at a poorly conserved position in the protein, it is predicted to be benign by multiple in silico algorithms, and/or has population frequency not consistent with disease.

Breakthrough Genomics
Classification: Benign. Review status: criteria provided, single submitter. Criteria: ACMG Guidelines, 2015. Collection method: not provided. Allele origin: germline. Inheritance: Autosomal dominant inheritance. Affected: yes.